The following is an entry in ClinVar:

ClinVar aggregate classification (germline): Uncertain significance (1 of 4 stars; one submission).

Allele frequency attached by ClinVar (database versions not stated): gnomAD exomes below 0.00001; ExAC 0.00001; gnomAD 0.00001; TOPMed 0.00002; ESP Exome Variant Server 0.00008.

Submission:

Labcorp Genetics (formerly Invitae), Labcorp
Classification: Uncertain significance. Last evaluated: 2022-11-08. Review status: criteria provided, single submitter. Criteria: Invitae Variant Classification Sherloc (09022015). Collection method: clinical testing. Allele origin: germline.
Comment: In summary, the available evidence is currently insufficient to determine the role of this variant in disease. Therefore, it has been classified as a Variant of Uncertain Significance. Advanced modeling of protein sequence and biophysical properties (such as structural, functional, and spatial information, amino acid conservation, physicochemical variation, residue mobility, and thermodynamic stability) performed at Invitae indicates that this missense variant is not expected to disrupt GHRHR protein function. ClinVar contains an entry for this variant (Variation ID: 1462534). This variant has not been reported in the literature in individuals affected with GHRHR-related conditions. This variant is present in population databases (rs373883983, gnomAD 0.007%). This sequence change replaces phenylalanine, which is neutral and non-polar, with leucine, which is neutral and non-polar, at codon 370 of the GHRHR protein (p.Phe370Leu).

NM_000823.4(GHRHR):c.1108T>C (p.Phe370Leu)

Gene: GHRHR (growth hormone releasing hormone receptor; plus strand). Cytogenetic location: 7p14.3.
Variant type: single nucleotide variant.
Coding change: c.1108T>C on transcript NM_000823.4 (MANE Select); coding-DNA position 1108, T replaced by C.
Protein change: p.Phe370Leu; replaces phenylalanine 370 with leucine.
Molecular consequence: missense variant.
Genome position (GRCh38, 1-based): chr7:30,977,284, T>C. VCF-style: chr7-30977284-T-C. GRCh37 (hg19) VCF-style: chr7-31016899-T-C.
Other names: short protein forms F370L.
Identifiers: ClinVar variation 1462534 (VCV001462534.8), dbSNP rs373883983, ClinGen allele CA4208803.